The following is an entry in ClinVar:

ClinVar aggregate classification (germline): Likely pathogenic (1 of 4 stars; one submission).

Conditions:
Anemia, nonspherocytic hemolytic, due to G6PD deficiency (CNSHA1). Also called: Hemolytic anemia due to G6PD deficiency; Class I glucose-6-phosphate dehydrogenase deficiency; Favism, susceptibility to; ANEMIA, CONGENITAL, NONSPHEROCYTIC HEMOLYTIC, 1. Identifiers: Orphanet 466026, MedGen C2720289, MONDO:0010480, OMIM 300908.

Submission:

Dunham Lab, University of Washington
Classification: Likely pathogenic for Anemia, nonspherocytic hemolytic, due to G6PD deficiency. Last evaluated: 2024-09-01. Review status: criteria provided, single submitter. Criteria: ACMG Guidelines, 2015. Collection method: curation. Allele origin: unknown. Affected: yes.
Comment: Decreased activity reported in RBCs (39%) (PS3). Not found in gnomAD (PM2). Post_P 0.949 (odds of pathogenicity 168.4, Prior_P 0.1).

Literature cited by the submitters: PubMed 36949502.

NM_001360016.2(G6PD):c.1438A>T (p.Ile480Phe)

Gene: G6PD (glucose-6-phosphate dehydrogenase; minus strand). Cytogenetic location: Xq28.
Variant type: single nucleotide variant.
Coding change: c.1438A>T on transcript NM_001360016.2 (MANE Select); coding-DNA position 1438, A replaced by T.
Protein change: p.Ile480Phe; replaces isoleucine 480 with phenylalanine.
Molecular consequence: missense variant.
Genome position (GRCh38, 1-based): chrX:154,532,207, T>A on the plus strand (A>T on the coding strand, the complement: G6PD is on the minus strand). VCF-style: chrX-154532207-T-A. GRCh37 (hg19) VCF-style: chrX-153760422-T-A.
Other names: c.1528A>T, p.Ile510Phe (NM_000402.4); c.1438A>T, p.Ile480Phe (NM_001042351.3); short protein forms I480F, I510F.
Identifiers: ClinVar variation 3339513 (VCV003339513.1).